The following is an entry in ClinVar:

NM_030752.3(TCP1):c.476A>G (p.Lys159Arg)

Gene: TCP1 (t-complex 1; minus strand). Cytogenetic location: 6q25.3.
Variant type: single nucleotide variant.
Coding change: c.476A>G on transcript NM_030752.3 (MANE Select); coding-DNA position 476, A replaced by G.
Protein change: p.Lys159Arg; replaces lysine 159 with arginine.
Molecular consequence: missense variant.
Genome position (GRCh38, 1-based): chr6:159,785,398, T>C on the plus strand (A>G on the coding strand, the complement: TCP1 is on the minus strand). VCF-style: chr6-159785398-T-C. GRCh37 (hg19) VCF-style: chr6-160206430-T-C.
Other names: c.11A>G, p.Lys4Arg (NM_001008897.2); short protein forms K159R, K4R.
Identifiers: ClinVar variation 4282422 (VCV004282422.1).

ClinVar aggregate classification (germline): Pathogenic (1 of 4 stars; one submission).

Submission:

GeneDx
Classification: Pathogenic. Last evaluated: 2025-04-14. Review status: criteria provided, single submitter. Criteria: GeneDx Variant Classification Process June 2021. Collection method: clinical testing. Allele origin: germline. Affected: yes.
Comment: In silico analysis supports that this missense variant has a deleterious effect on protein structure/function; Not observed at significant frequency in large population cohorts (gnomAD); This variant is associated with the following publications: (PMID: 39480921)